The following is an entry in ClinVar:

ClinVar aggregate classification (germline): Uncertain significance. Review status: criteria provided, multiple submitters, no conflicts (2 of 4 stars). 6 submissions from 5 submitters: Uncertain significance (6). Last evaluated 2026-02-23.

Conditions:
Cardiomyopathy (CMYO). Also called: Cardiomyopathies. Identifiers: Orphanet 167848, MedGen C0878544, MONDO:0004994, HP:0001638. Inheritance: Various modes of inheritance.
Catecholaminergic polymorphic ventricular tachycardia 1. Also called: RYR2-Related Catecholaminergic Polymorphic Ventricular Tachycardia; VENTRICULAR TACHYCARDIA, STRESS-INDUCED POLYMORPHIC 1; VENTRICULAR TACHYCARDIA, CATECHOLAMINERGIC POLYMORPHIC, 1, WITH OR WITHOUT ATRIAL DYSFUNCTION AND/OR DILATED CARDIOMYOPATHY. Identifiers: Orphanet 3286, MedGen C1631597, MONDO:0011484, OMIM 604772.
Arrhythmogenic right ventricular dysplasia 2. Identifiers: MedGen C1832931.
Cardiovascular phenotype. Identifiers: MedGen CN230736.

Allele frequency attached by ClinVar (database versions not stated): gnomAD exomes below 0.00001; TOPMed below 0.00001.
gnomAD v4.1: 5 of 1,613,938 alleles (0.00031%); highest among the groups gnomAD compares: Non-Finnish European, 0.00042%; no homozygotes.

Submissions (6):

GeneDx
Classification: Uncertain significance. Last evaluated: 2026-02-23. Review status: criteria provided, single submitter. Criteria: GeneDx Variant Classification Process June 2021. Collection method: clinical testing. Allele origin: germline.
Comment: Not observed at significant frequency in large population cohorts (gnomAD); In silico analysis suggests that this missense variant does not alter protein structure/function; Has not been previously published as pathogenic or benign to our knowledge; Not located in one of the three hot-spot regions of the RYR2 gene, where the majority of pathogenic missense variants occur (PMID: 19926015); This variant is associated with the following publications: (PMID: 19926015)

Ambry Genetics
Classification: Uncertain significance for Cardiovascular phenotype. Last evaluated: 2025-12-16. Review status: criteria provided, single submitter. Criteria: Ambry Variant Classification Scheme 2023. Collection method: clinical testing. Allele origin: germline.
Comment: The p.V1166I variant (also known as c.3496G>A), located in coding exon 29 of the RYR2 gene, results from a G to A substitution at nucleotide position 3496. The valine at codon 1166 is replaced by isoleucine, an amino acid with highly similar properties. This amino acid position is conserved. In addition, this alteration is predicted to be tolerated by in silico analysis. Based on the available evidence, the clinical significance of this variant remains unclear.

Color Diagnostics, LLC DBA Color Health
Classification: Uncertain significance for Cardiomyopathy. Last evaluated: 2025-08-10. Review status: criteria provided, single submitter. Criteria: ACMG Guidelines, 2015. Collection method: clinical testing. Allele origin: germline.
Comment: This missense variant replaces valine with isoleucine at codon 1166 of the RYR2 protein. Computational prediction suggests that this variant may not impact protein structure and function. To our knowledge, functional studies have not been reported for this variant. This variant has not been reported in individuals affected with RYR2-related disorders in the literature. This variant has not been identified in the general population by the Genome Aggregation Database (gnomAD). The available evidence is insufficient to determine the role of this variant in disease conclusively. Therefore, this variant is classified as a Variant of Uncertain Significance.

Labcorp Genetics (formerly Invitae), Labcorp
Classification: Uncertain significance for Catecholaminergic polymorphic ventricular tachycardia 1. Last evaluated: 2025-01-10. Review status: criteria provided, single submitter. Criteria: Invitae Variant Classification Sherloc (09022015). Collection method: clinical testing. Allele origin: germline.
Comment: This sequence change replaces valine, which is neutral and non-polar, with isoleucine, which is neutral and non-polar, at codon 1166 of the RYR2 protein (p.Val1166Ile). This variant is not present in population databases (gnomAD no frequency). This variant has not been reported in the literature in individuals affected with RYR2-related conditions. ClinVar contains an entry for this variant (Variation ID: 296720). Invitae Evidence Modeling of protein sequence and biophysical properties (such as structural, functional, and spatial information, amino acid conservation, physicochemical variation, residue mobility, and thermodynamic stability) indicates that this missense variant is not expected to disrupt RYR2 protein function with a negative predictive value of 95%. In summary, the available evidence is currently insufficient to determine the role of this variant in disease. Therefore, it has been classified as a Variant of Uncertain Significance.

Illumina Laboratory Services, Illumina
Classification: Uncertain significance for Catecholaminergic polymorphic ventricular tachycardia 1. Last evaluated: 2018-01-13. Review status: criteria provided, single submitter. Criteria: ICSL Variant Classification Criteria 13 December 2019. Collection method: clinical testing. Allele origin: germline.

Illumina Laboratory Services, Illumina
Classification: Uncertain significance for Catecholaminergic polymorphic ventricular tachycardia 1. Last evaluated: 2018-01-13. Review status: criteria provided, single submitter. Criteria: ICSL Variant Classification Criteria 13 December 2019. Collection method: clinical testing. Allele origin: germline.

NM_001035.3(RYR2):c.3496G>A (p.Val1166Ile)

Gene: RYR2 (ryanodine receptor 2; plus strand). Cytogenetic location: 1q43.
Variant type: single nucleotide variant.
Coding change: c.3496G>A on transcript NM_001035.3 (MANE Select); coding-DNA position 3496, G replaced by A.
Protein change: p.Val1166Ile; replaces valine 1166 with isoleucine.
Molecular consequence: missense variant.
Genome position (GRCh38, 1-based): chr1:237,569,217, G>A. VCF-style: chr1-237569217-G-A. GRCh37 (hg19) VCF-style: chr1-237732517-G-A.
Other names: c.3496G>A, p.Val1166Ile (LRG_402t1); short protein forms V1166I.
Identifiers: ClinVar variation 296720 (VCV000296720.15), dbSNP rs886046266, ClinGen allele CA10610615.